The following is an entry in ClinVar:

NM_000535.7(PMS2):c.586G>A (p.Ala196Thr)

Gene: PMS2 (PMS1 homolog 2, mismatch repair system component; minus strand). Cytogenetic location: 7p22.1.
Variant type: single nucleotide variant.
Coding change: c.586G>A on transcript NM_000535.7 (MANE Select); coding-DNA position 586, G replaced by A.
Protein change: p.Ala196Thr; replaces alanine 196 with threonine.
Molecular consequence: missense variant. On other transcripts: non-coding transcript variant (1), intron variant (6), splice acceptor variant (3).
Genome position (GRCh38, 1-based): chr7:5,999,227, C>T on the plus strand (G>A on the coding strand, the complement: PMS2 is on the minus strand). VCF-style: chr7-5999227-C-T. GRCh37 (hg19) VCF-style: chr7-6038858-C-T.
Other names: c.181G>A, p.Ala61Thr (NM_001406904.1, NM_001406905.1, NM_001406906.1 and 22 more transcripts); c.586G>A, p.Ala196Thr (NM_001406912.1, NM_001322006.2, NM_001322014.2 and 5 more transcripts); c.132+3226G>A (NM_001406911.1); c.133-1804G>A (NM_001322013.2, NM_001406909.1); c.-347-1G>A (NM_001322012.2, NM_001322011.2); c.251-1G>A (NM_001406885.1); c.537+3226G>A (NM_001406886.1); c.538-1804G>A (NM_001406884.1, NM_001406874.1); and 4 more; short protein forms A90T, A93T, A196T, A61T, A204T, A258T.
Identifiers: ClinVar variation 1523477 (VCV001523477.10), dbSNP rs1784818316, ClinGen allele CA366744035.

ClinVar aggregate classification (germline): Uncertain significance. Review status: criteria provided, multiple submitters, no conflicts (2 of 4 stars). 3 submissions from 3 submitters: Uncertain significance (3). Last evaluated 2025-07-10.

Conditions:
Hereditary nonpolyposis colorectal neoplasms. Identifiers: MedGen C0009405, MeSH D003123.
Hereditary cancer-predisposing syndrome. Also called: Hereditary neoplastic syndrome; Hereditary Cancer Syndrome; Tumor predisposition; Neoplastic Syndromes, Hereditary. Identifiers: Orphanet 140162, MedGen C0027672, MeSH D009386, MONDO:0015356.

Submissions (3):

Ambry Genetics
Classification: Uncertain significance for Hereditary cancer-predisposing syndrome. Last evaluated: 2025-07-10. Review status: criteria provided, single submitter. Criteria: Ambry Variant Classification Scheme 2023. Collection method: clinical testing. Allele origin: germline.
Comment: The p.A196T variant (also known as c.586G>A), located in coding exon 6 of the PMS2 gene, results from a G to A substitution at nucleotide position 586. The alanine at codon 196 is replaced by threonine, an amino acid with similar properties. This amino acid position is poorly conserved in available vertebrate species. In addition, this alteration is predicted to be tolerated by in silico analysis. Based on the available evidence, the clinical significance of this variant remains unclear.

GeneDx
Classification: Uncertain significance. Last evaluated: 2024-04-11. Review status: criteria provided, single submitter. Criteria: GeneDx Variant Classification Process June 2021. Collection method: clinical testing. Allele origin: germline. Affected: yes.
Comment: In silico analysis is inconclusive as to whether the variant alters gene splicing. In the absence of RNA/functional studies, the actual effect of this sequence change is unknown; In silico analysis indicates that this missense variant does not alter protein structure/function; Not observed at significant frequency in large population cohorts (gnomAD); Has not been previously published as pathogenic or benign to our knowledge; This variant is associated with the following publications: (PMID: 11574484)

Labcorp Genetics (formerly Invitae), Labcorp
Classification: Uncertain significance for Hereditary nonpolyposis colorectal neoplasms. Last evaluated: 2022-02-08. Review status: criteria provided, single submitter. Criteria: Invitae Variant Classification Sherloc (09022015). Collection method: clinical testing. Allele origin: germline.
Comment: In summary, the available evidence is currently insufficient to determine the role of this variant in disease. Therefore, it has been classified as a Variant of Uncertain Significance. Advanced modeling of protein sequence and biophysical properties (such as structural, functional, and spatial information, amino acid conservation, physicochemical variation, residue mobility, and thermodynamic stability) performed at Invitae indicates that this missense variant is not expected to disrupt PMS2 protein function. This variant has not been reported in the literature in individuals affected with PMS2-related conditions. This variant is not present in population databases (gnomAD no frequency). This sequence change replaces alanine, which is neutral and non-polar, with threonine, which is neutral and polar, at codon 196 of the PMS2 protein (p.Ala196Thr).